The following is an entry in ClinVar:

ClinVar aggregate classification (germline): Pathogenic (1 of 4 stars; one submission).

Submission:

Labcorp Genetics (formerly Invitae), Labcorp
Classification: Pathogenic. Last evaluated: 2025-07-02. Review status: criteria provided, single submitter. Criteria: Invitae Variant Classification Sherloc (09022015). Collection method: clinical testing. Allele origin: germline.
Comment: This sequence change creates a premature translational stop signal (p.Ser280*) in the RINT1 gene. It is expected to result in an absent or disrupted protein product. Loss-of-function variants in RINT1 are known to be pathogenic (PMID: 31204009). This variant is not present in population databases (gnomAD no frequency). This variant has not been reported in the literature in individuals affected with RINT1-related conditions. For these reasons, this variant has been classified as Pathogenic.

Literature cited by the submitters: PubMed 31204009.

NM_021930.6(RINT1):c.839C>A (p.Ser280Ter)

Gene: RINT1 (RAD50 interactor 1; plus strand). Cytogenetic location: 7q22.3.
Variant type: single nucleotide variant.
Coding change: c.839C>A on transcript NM_021930.6 (MANE Select); coding-DNA position 839, C replaced by A.
Protein change: p.Ser280Ter; replaces serine 280 with a stop codon.
Molecular consequence: nonsense. On other transcripts: 5 prime UTR variant (2), non-coding transcript variant (1), intron variant (1).
Genome position (GRCh38, 1-based): chr7:105,547,333, C>A. VCF-style: chr7-105547333-C-A. GRCh37 (hg19) VCF-style: chr7-105187780-C-A.
Other names: c.605C>A, p.Ser202Ter (NM_001346599.2); c.-181C>A (NM_001346600.2); c.-84C>A (NM_001346601.2); c.-27-2722C>A (NM_001346603.2); short protein forms S202*, S280*.
Identifiers: ClinVar variation 4720922 (VCV004720922.1).